The following is an entry in ClinVar:

ClinVar aggregate classification (germline): Conflicting classifications of pathogenicity. Review status: criteria provided, conflicting classifications (1 of 4 stars). 2 submissions from 2 submitters: Uncertain significance (1); Likely benign (1). Last evaluated 2025-03-25.

Conditions:
Hereditary cancer-predisposing syndrome. Also called: Hereditary Cancer Syndrome; Neoplastic Syndromes, Hereditary; Tumor predisposition; Hereditary neoplastic syndrome. Identifiers: Orphanet 140162, MedGen C0027672, MeSH D009386, MONDO:0015356.

Allele frequency attached by ClinVar (database versions not stated): gnomAD exomes below 0.00001; gnomAD 0.00001.
gnomAD v4.1: 3 of 1,611,310 alleles (0.00019%); highest among the groups gnomAD compares: African/African-American, 0.0027%; no homozygotes.

Submissions (2):

Labcorp Genetics (formerly Invitae), Labcorp
Classification: Likely benign for Hereditary cancer-predisposing syndrome. Last evaluated: 2025-03-25. Review status: criteria provided, single submitter. Criteria: Invitae Variant Classification Sherloc (09022015). Collection method: clinical testing. Allele origin: germline.

Ambry Genetics
Classification: Uncertain significance for Hereditary cancer-predisposing syndrome. Last evaluated: 2016-09-30. Review status: criteria provided, single submitter. Criteria: Ambry Variant Classification Scheme 2023. Collection method: clinical testing. Allele origin: germline.
Comment: The c.3164+3A>G intronic variant results from an A to G substitution 3 nucleotides after coding exon 20 in the RAD50 gene. This variant was not reported in population based cohorts in the following databases: Database of Single Nucleotide Polymorphisms (dbSNP), NHLBI Exome Sequencing Project (ESP), and 1000 Genomes Project. In the ESP, this variant was not observed in 6499 samples (12998 alleles) with coverage at this position. To date, this alteration has been detected with an allele frequency of approximately 0.001% (greater than 175000 alleles tested) in our clinical cohort. This nucleotide position is well conserved in available vertebrate species. Using the BDGP and ESEfinder splice site prediction tools, this alteration is predicted to weaken the efficiency of the native splice donor site; however, direct evidence is unavailable. Since supporting evidence is limited at this time, the clinical significance of this alteration remains unclear.

NM_005732.4(RAD50):c.3164+3A>G

Gene: RAD50 (RAD50 double strand break repair protein; plus strand). Cytogenetic location: 5q31.1.
Variant type: single nucleotide variant.
Coding change: c.3164+3A>G on transcript NM_005732.4 (MANE Select); 3 bases into the intron after coding-DNA position 3164, A replaced by G.
Molecular consequence: intron variant.
Genome position (GRCh38, 1-based): chr5:132,616,133, A>G. VCF-style: chr5-132616133-A-G. GRCh37 (hg19) VCF-style: chr5-131951825-A-G.
Identifiers: ClinVar variation 480457 (VCV000480457.13), dbSNP rs1275882210, ClinGen allele CA562777388.